The following is an entry in ClinVar:

ClinVar aggregate classification (germline): Pathogenic. Review status: reviewed by expert panel (3 of 4 stars). 2 submissions from 2 submitters: Pathogenic (1). 1 of the submissions does not count toward it. Last evaluated 2017-12-15.

Conditions:
Breast-ovarian cancer, familial, susceptibility to, 2 (BROVCA2). Also called: BRCA2 Hereditary Breast and Ovarian Cancer. Identifiers: Orphanet 145, MedGen C2675520, MONDO:0012933, OMIM 612555. Disease mechanism: loss of function.

Submissions (2):

Evidence-based Network for the Interpretation of Germline Mutant Alleles (ENIGMA)
Classification: Pathogenic for Breast-ovarian cancer, familial, susceptibility to, 2. Last evaluated: 2017-12-15. Review status: reviewed by expert panel. Criteria: ENIGMA BRCA1/2 Classification Criteria (2017-06-29). Collection method: curation. Allele origin: germline. Study: ENIGMA.
Comment: Variant allele predicted to encode a truncated non-functional protein.

Department of Medical Genetics, Oslo University Hospital
Classification: Pathogenic for Breast-ovarian cancer, familial, susceptibility to, 2. Last evaluated: 2015-07-01. Review status: criteria provided, single submitter. Criteria: ACMG Guidelines, 2015. Collection method: clinical testing. Allele origin: germline. Affected: yes. Observed: 28 variant alleles. Not counted in ClinVar's aggregate classification.

NM_000059.4(BRCA2):c.2156_2159del (p.Asn719fs)

Gene: BRCA2 (BRCA2 DNA repair associated; plus strand). Cytogenetic location: 13q13.1.
Variant type: Deletion.
Coding change: c.2156_2159del on transcript NM_000059.4 (MANE Select); coding-DNA positions 2156 to 2159, 4 bases deleted (ATGA; older notation c.2156_2159delATGA).
Protein change: p.Asn719fs; shifts the reading frame from asparagine 719.
Molecular consequence: frameshift variant.
Genome position (GRCh38, 1-based): chr13:32,336,511-32,336,514, ATGA deleted; deleting any 4 consecutive bases within chr13:32,336,510-32,336,514 gives the same sequence; the c. name uses the placement nearest the transcript's 3' end. VCF-style (leftmost placement, unchanged base first): chr13-32336509-AAATG-A. GRCh37 (hg19) VCF-style: chr13-32910646-AAATG-A.
Other names: c.2156_2159delATGA (NM_000059.3).
Identifiers: ClinVar variation 440427 (VCV000440427.2), dbSNP rs1555282489, ClinGen allele CA645509340.